The following is an entry in ClinVar:

NM_006204.4(PDE6C):c.464T>C (p.Val155Ala)

Gene: PDE6C (phosphodiesterase 6C; plus strand). Cytogenetic location: 10q23.33.
Variant type: single nucleotide variant.
Coding change: c.464T>C on transcript NM_006204.4 (MANE Select); coding-DNA position 464, T replaced by C.
Protein change: p.Val155Ala; replaces valine 155 with alanine.
Molecular consequence: missense variant.
Genome position (GRCh38, 1-based): chr10:93,613,189, T>C. VCF-style: chr10-93613189-T-C. GRCh37 (hg19) VCF-style: chr10-95372946-T-C.
Other names: short protein forms V155A.
Identifiers: ClinVar variation 1995517 (VCV001995517.4), dbSNP rs775924148, ClinGen allele CA377622970.

ClinVar aggregate classification (germline): Uncertain significance (1 of 4 stars; one submission).

gnomAD v4.1: 1 of 1,613,680 alleles (0.000062%); highest among the groups gnomAD compares: Non-Finnish European, 0.000085%; no homozygotes.

Submission:

Labcorp Genetics (formerly Invitae), Labcorp
Classification: Uncertain significance. Last evaluated: 2025-01-15. Review status: criteria provided, single submitter. Criteria: Invitae Variant Classification Sherloc (09022015). Collection method: clinical testing. Allele origin: germline.
Comment: This sequence change replaces valine, which is neutral and non-polar, with alanine, which is neutral and non-polar, at codon 155 of the PDE6C protein (p.Val155Ala). This variant is not present in population databases (gnomAD no frequency). This variant has not been reported in the literature in individuals affected with PDE6C-related conditions. ClinVar contains an entry for this variant (Variation ID: 1995517). Invitae Evidence Modeling of protein sequence and biophysical properties (such as structural, functional, and spatial information, amino acid conservation, physicochemical variation, residue mobility, and thermodynamic stability) indicates that this missense variant is not expected to disrupt PDE6C protein function with a negative predictive value of 80%. In summary, the available evidence is currently insufficient to determine the role of this variant in disease. Therefore, it has been classified as a Variant of Uncertain Significance.